The following is an entry in ClinVar:

NM_000238.4(KCNH2):c.1800C>T (p.Ser600=)

Gene: KCNH2 (potassium voltage-gated channel subfamily H member 2; minus strand). Cytogenetic location: 7q36.1.
Variant type: single nucleotide variant.
Coding change: c.1800C>T on transcript NM_000238.4 (MANE Select); coding-DNA position 1800, C replaced by T.
Protein change: p.Ser600=; no amino-acid change (serine 600 retained).
Molecular consequence: synonymous variant. On other transcripts: non-coding transcript variant (2).
Genome position (GRCh38, 1-based): chr7:150,951,593, G>A on the plus strand (C>T on the coding strand, the complement: KCNH2 is on the minus strand). VCF-style: chr7-150951593-G-A. GRCh37 (hg19) VCF-style: chr7-150648681-G-A.
Other names: c.780C>T, p.Ser260= (NM_001204798.2, NM_172057.3); c.1512C>T, p.Ser504= (NM_001406753.1, NM_001406756.1); c.1623C>T, p.Ser541= (NM_001406755.1); c.1500C>T, p.Ser500= (NM_001406757.1); c.1800C>T, p.Ser600= (NM_172056.3).
Identifiers: ClinVar variation 377956 (VCV000377956.29), dbSNP rs143518632, ClinGen allele CA029483.

ClinVar aggregate classification (germline): Benign/Likely benign. Review status: criteria provided, multiple submitters, no conflicts (2 of 4 stars). 7 submissions from 7 submitters: Benign (4); Likely benign (3). Last evaluated 2026-09-01.

Conditions:
Cardiovascular phenotype. Identifiers: MedGen CN230736.
Cardiac arrhythmia. Also called: Arrhythmia; Cardiac rhythm disease. Identifiers: MedGen C0003811, MONDO:0007263, HP:0011675.
Long QT syndrome (LQTS). Identifiers: MedGen C0023976, MeSH D008133, MONDO:0002442. Disease mechanism: loss of function. Inheritance: Various modes of inheritance.

Allele frequency attached by ClinVar (database versions not stated): ESP Exome Variant Server 0.00008; gnomAD 0.00009; gnomAD exomes 0.00011 and 0.00043; TOPMed 0.00014; 1000 Genomes Project 30x 0.00016; 1000 Genomes Project 0.00020; ExAC 0.00023.
gnomAD v4.1: 173 of 1,614,196 alleles (0.011%); highest among the groups gnomAD compares: Admixed American, 0.18%; no homozygotes.

Submissions (7):

CeGaT Center for Human Genetics Tuebingen
Classification: Likely benign. Last evaluated: 2026-09-01. Review status: criteria provided, single submitter. Criteria: CeGaT Center For Human Genetics Tuebingen Variant Classification Criteria Version 2. Collection method: clinical testing. Allele origin: germline. Affected: yes. Observed: 4 variant alleles.
Comment: KCNH2: BP4, BP7, BS1

Labcorp Genetics (formerly Invitae), Labcorp
Classification: Benign for Long QT syndrome. Last evaluated: 2026-01-24. Review status: criteria provided, single submitter. Criteria: Invitae Variant Classification Sherloc (09022015). Collection method: clinical testing. Allele origin: germline.

Blueprint Genetics
Classification: Likely benign. Last evaluated: 2024-07-17. Review status: criteria provided, single submitter. Criteria: ACMG Guidelines, 2015. Collection method: clinical testing. Allele origin: germline.

All of Us Research Program, National Institutes of Health
Classification: Benign for Long QT syndrome. Last evaluated: 2024-01-11. Review status: criteria provided, single submitter. Criteria: ACMG Guidelines, 2015. Collection method: clinical testing. Allele origin: germline. Inheritance: Autosomal dominant inheritance. Observed: 36 variant alleles, 36 heterozygotes.
Comment: This study involves interpretation of variants in research participants for the purpose of population health screening. Participant phenotype was not available at the time of variant classification. Additional details can be found in publication PMID: 35346344, PMCID: PMC8962531

Color Diagnostics, LLC DBA Color Health
Classification: Benign for Arrhythmia. Last evaluated: 2018-08-27. Review status: criteria provided, single submitter. Criteria: ACMG Guidelines, 2015. Collection method: clinical testing. Allele origin: germline.

Ambry Genetics
Classification: Likely benign for Cardiovascular phenotype. Last evaluated: 2016-10-18. Review status: criteria provided, single submitter. Criteria: Ambry Variant Classification Scheme 2023. Collection method: clinical testing. Allele origin: germline.

GeneDx
Classification: Benign. Last evaluated: 2015-04-13. Review status: criteria provided, single submitter. Criteria: GeneDx Variant Classification (06012015). Collection method: clinical testing. Allele origin: germline. Affected: yes.
Comment: This variant is considered likely benign or benign based on one or more of the following criteria: it is a conservative change, it occurs at a poorly conserved position in the protein, it is predicted to be benign by multiple in silico algorithms, and/or has population frequency not consistent with disease.